The following is an entry in ClinVar:

NM_001271.4(CHD2):c.1993C>T (p.Pro665Ser)

Gene: CHD2 (chromodomain helicase DNA binding protein 2; plus strand). Cytogenetic location: 15q26.1.
Variant type: single nucleotide variant.
Coding change: c.1993C>T on transcript NM_001271.4 (MANE Select); coding-DNA position 1993, C replaced by T.
Protein change: p.Pro665Ser; replaces proline 665 with serine.
Molecular consequence: missense variant.
Genome position (GRCh38, 1-based): chr15:92,956,642, C>T. VCF-style: chr15-92956642-C-T. GRCh37 (hg19) VCF-style: chr15-93499872-C-T.
Other names: short protein forms P665S.
Identifiers: ClinVar variation 572552 (VCV000572552.11), dbSNP rs768407397, ClinGen allele CA7747898.

ClinVar aggregate classification (germline): Uncertain significance. Review status: criteria provided, multiple submitters, no conflicts (2 of 4 stars). 2 submissions from 2 submitters: Uncertain significance (2). Last evaluated 2021-06-24.

Conditions:
Developmental and epileptic encephalopathy 94 (DEE94). Also called: CHD2-Related Neurodevelopmental Disorders; Epileptic encephalopathy, childhood-onset. Identifiers: Orphanet 1942, Orphanet 2382, MedGen C3809278, MONDO:0014150, OMIM 615369.

Allele frequency attached by ClinVar (database versions not stated): gnomAD exomes below 0.00001 and 0.00001; ExAC 0.00001.
gnomAD v4.1: 14 of 1,607,030 alleles (0.00087%); highest among the groups gnomAD compares: Non-Finnish European, 0.0012%; no homozygotes.

Submissions (2):

Revvity Omics, Revvity
Classification: Uncertain significance for Developmental and epileptic encephalopathy 94. Last evaluated: 2021-06-24. Review status: criteria provided, single submitter. Criteria: ACMG Guidelines, 2015. Collection method: clinical testing. Allele origin: germline.

Labcorp Genetics (formerly Invitae), Labcorp
Classification: Uncertain significance for Developmental and epileptic encephalopathy 94. Last evaluated: 2021-03-10. Review status: criteria provided, single submitter. Criteria: Invitae Variant Classification Sherloc (09022015). Collection method: clinical testing. Allele origin: germline.
Comment: In summary, the available evidence is currently insufficient to determine the role of this variant in disease. Therefore, it has been classified as a Variant of Uncertain Significance. Algorithms developed to predict the effect of missense changes on protein structure and function (SIFT, PolyPhen-2, Align-GVGD) all suggest that this variant is likely to be disruptive, but these predictions have not been confirmed by published functional studies and their clinical significance is uncertain. This variant has not been reported in the literature in individuals with CHD2-related conditions. ClinVar contains an entry for this variant (Variation ID: 572552). This variant is present in population databases (rs768407397, ExAC 0.002%). This sequence change replaces proline with serine at codon 665 of the CHD2 protein (p.Pro665Ser). The proline residue is highly conserved and there is a moderate physicochemical difference between proline and serine.